The following is an entry in ClinVar:

NM_018979.4(WNK1):c.1400+1G>A

Gene: WNK1 (WNK lysine deficient protein kinase 1; plus strand). Cytogenetic location: 12p13.33.
Variant type: single nucleotide variant.
Coding change: c.1400+1G>A on transcript NM_018979.4 (MANE Select); the canonical splice donor site of the intron after coding-DNA position 1400, G replaced by A.
Molecular consequence: splice donor variant.
Genome position (GRCh38, 1-based): chr12:857,250, G>A. VCF-style: chr12-857250-G-A. GRCh37 (hg19) VCF-style: chr12-966416-G-A.
Other names: c.1400+1G>A (NM_213655.5, NM_001184985.2, NM_014823.3).
Identifiers: ClinVar variation 2029640 (VCV002029640.4), dbSNP rs2548597368, ClinGen allele CA383333700.
Genomic context (GRCh38, chr12:857,250, plus strand): 5'-AGCAATTCCTGAAGTGAAGGAAATTATTGAAGGATGCATACGACAAAACAAAGATGAAAG[G>A]TAAGTTGCCTCTTTTGATCTGGGTGATACTTGAACAAAACCTAAAAAGTAATGTGCTTTG-3'

ClinVar aggregate classification (germline): Likely pathogenic (1 of 4 stars; one submission).

Conditions:
Neuropathy, hereditary sensory and autonomic, type 2A (HSAN2A). Also called: ACROOSTEOLYSIS, GIACCAI TYPE; ACROOSTEOLYSIS, NEUROGENIC; MORVAN DISEASE; NEUROPATHY, CONGENITAL SENSORY; NEUROPATHY, HEREDITARY SENSORY RADICULAR, AUTOSOMAL RECESSIVE; NEUROPATHY, HEREDITARY SENSORY, TYPE IIA. Identifiers: Orphanet 970, MedGen C2752089, MONDO:0024309, OMIM 201300.
Pseudohypoaldosteronism type 2C (PHA2C). Also called: Pseudohypoaldosteronism Type IIC. Identifiers: Orphanet 757, Orphanet 88940, MedGen C1840391, MONDO:0013778, OMIM 614492.

Submission:

Labcorp Genetics (formerly Invitae), Labcorp
Classification: Likely pathogenic for Neuropathy, hereditary sensory and autonomic, type 2A; Pseudohypoaldosteronism type 2C. Last evaluated: 2022-09-16. Review status: criteria provided, single submitter. Criteria: Invitae Variant Classification Sherloc (09022015). Collection method: clinical testing. Allele origin: germline.
Comment: In summary, the currently available evidence indicates that the variant is pathogenic, but additional data are needed to prove that conclusively. Therefore, this variant has been classified as Likely Pathogenic. Algorithms developed to predict the effect of sequence changes on RNA splicing suggest that this variant may disrupt the consensus splice site. This variant has not been reported in the literature in individuals affected with WNK1-related conditions. This variant is not present in population databases (gnomAD no frequency). This sequence change affects a donor splice site in intron 5 of the WNK1 gene. It is expected to disrupt RNA splicing. Variants that disrupt the donor or acceptor splice site typically lead to a loss of protein function (PMID: 16199547), and loss-of-function variants in WNK1 are known to be pathogenic (PMID: 22910560).

Literature cited by the submitters: PubMed 16199547; PubMed 22910560.